The following is an entry in ClinVar:

ClinVar aggregate classification (germline): Uncertain significance. Review status: criteria provided, multiple submitters, no conflicts (2 of 4 stars). 2 submissions from 2 submitters: Uncertain significance (2). Last evaluated 2024-05-18.

Conditions:
Legius syndrome. Identifiers: Orphanet 137605, MedGen C1969623, MONDO:0012669, OMIM 611431. Disease mechanism: loss of function.
Cardiovascular phenotype. Identifiers: MedGen CN230736.

Allele frequency attached by ClinVar (database versions not stated): ExAC 0.00001.
gnomAD v4.1: 2 of 1,612,114 alleles (0.00012%); highest among the groups gnomAD compares: African/African-American, 0.0013%; no homozygotes.

Submissions (2):

Labcorp Genetics (formerly Invitae), Labcorp
Classification: Uncertain significance for Legius syndrome. Last evaluated: 2024-05-18. Review status: criteria provided, single submitter. Criteria: Invitae Variant Classification Sherloc (09022015). Collection method: clinical testing. Allele origin: germline.
Comment: This sequence change replaces aspartic acid, which is acidic and polar, with glycine, which is neutral and non-polar, at codon 138 of the SPRED1 protein (p.Asp138Gly). This variant is present in population databases (rs751138842, gnomAD 0.007%). This variant has not been reported in the literature in individuals affected with SPRED1-related conditions. Advanced modeling of protein sequence and biophysical properties (such as structural, functional, and spatial information, amino acid conservation, physicochemical variation, residue mobility, and thermodynamic stability) performed at Invitae indicates that this missense variant is not expected to disrupt SPRED1 protein function with a negative predictive value of 80%. In summary, the available evidence is currently insufficient to determine the role of this variant in disease. Therefore, it has been classified as a Variant of Uncertain Significance.

Ambry Genetics
Classification: Uncertain significance for Cardiovascular phenotype. Last evaluated: 2024-02-24. Review status: criteria provided, single submitter. Criteria: Ambry Variant Classification Scheme 2023. Collection method: clinical testing. Allele origin: germline.
Comment: The p.D138G variant (also known as c.413A>G), located in coding exon 4 of the SPRED1 gene, results from an A to G substitution at nucleotide position 413. The aspartic acid at codon 138 is replaced by glycine, an amino acid with similar properties. This amino acid position is conserved. In addition, the in silico prediction for this alteration is inconclusive. Based on the available evidence, the clinical significance of this alteration remains unclear.

NM_152594.3(SPRED1):c.413A>G (p.Asp138Gly)

Gene: SPRED1 (sprouty related EVH1 domain containing 1; plus strand). Cytogenetic location: 15q14.
Variant type: single nucleotide variant.
Coding change: c.413A>G on transcript NM_152594.3 (MANE Select); coding-DNA position 413, A replaced by G.
Protein change: p.Asp138Gly; replaces aspartic acid 138 with glycine.
Molecular consequence: missense variant.
Genome position (GRCh38, 1-based): chr15:38,324,799, A>G. VCF-style: chr15-38324799-A-G. GRCh37 (hg19) VCF-style: chr15-38617000-A-G.
Other names: short protein forms D138G.
Identifiers: ClinVar variation 3229270 (VCV003229270.3), dbSNP rs751138842, ClinGen allele CA7470069.